The following is an entry in ClinVar:

ClinVar aggregate classification (germline): Uncertain significance (1 of 4 stars; one submission).

Submission:

Labcorp Genetics (formerly Invitae), Labcorp
Classification: Uncertain significance. Last evaluated: 2016-07-25. Review status: criteria provided, single submitter. Criteria: Invitae Variant Classification Sherloc (09022015). Collection method: clinical testing. Allele origin: germline.
Comment: In summary, this variant is a rare missense change with uncertain impact on protein function. There is no indication that it causes disease, but the available evidence is currently insufficient to prove that conclusively. Therefore, it has been classified as a Variant of Uncertain Significance. Algorithms developed to predict the effect of missense changes on protein structure and function (SIFT, PolyPhen-2, Align-GVGD) all suggest that this variant is likely to be disruptive, but these predictions have not been confirmed by published functional studies. This variant is not present in population databases (ExAC no frequency) and has not been reported in the literature in individuals with a CLCN4-related disease. This sequence change replaces serine with arginine at codon 278 of the CLCN4 protein (p.Ser278Arg). The serine residue is highly conserved and there is a moderate physicochemical difference between serine and arginine.

NM_001830.4(CLCN4):c.832A>C (p.Ser278Arg)

Gene: CLCN4 (chloride voltage-gated channel 4; plus strand). Cytogenetic location: Xp22.2.
Variant type: single nucleotide variant.
Coding change: c.832A>C on transcript NM_001830.4 (MANE Select); coding-DNA position 832, A replaced by C.
Protein change: p.Ser278Arg; replaces serine 278 with arginine.
Molecular consequence: missense variant.
Genome position (GRCh38, 1-based): chrX:10,206,765, A>C. VCF-style: chrX-10206765-A-C. GRCh37 (hg19) VCF-style: chrX-10174805-A-C.
Other names: c.550A>C, p.Ser184Arg (NM_001256944.2); short protein forms S278R, S184R.
Identifiers: ClinVar variation 409645 (VCV000409645.10), dbSNP rs1060502512, ClinGen allele CA16616611.
Genomic context (GRCh38, chrX:10,206,765, plus strand): 5'-GCTGCAGCGGCTGCTGGAGTCTCTGTTGCCTTTGGTGCACCAATTGGAGGCGTGCTTTTC[A>C]GTCTAGAAGAGGTGAGAATGGGCAGCTGAGGGAATTCGTGATTTTGAGCAGCAAGGCCCG-3'
Protein context (NP_001821.2, residues 268-288): FGAPIGGVLF[Ser278Arg]LEEVSYYFPL